The following is an entry in ClinVar:

ClinVar aggregate classification (germline): Uncertain significance (1 of 4 stars; one submission).

gnomAD v4.1: 44 of 1,614,178 alleles (0.0027%); highest among the groups gnomAD compares: Non-Finnish European, 0.0037%; no homozygotes.

Submission:

Labcorp Genetics (formerly Invitae), Labcorp
Classification: Uncertain significance. Last evaluated: 2025-08-11. Review status: criteria provided, single submitter. Criteria: Invitae Variant Classification Sherloc (09022015). Collection method: clinical testing. Allele origin: germline.
Comment: This sequence change replaces alanine, which is neutral and non-polar, with valine, which is neutral and non-polar, at codon 1244 of the MTOR protein (p.Ala1244Val). This variant is present in population databases (rs781127298, gnomAD 0.003%). This variant has not been reported in the literature in individuals affected with MTOR-related conditions. Invitae Evidence Modeling of protein sequence and biophysical properties (such as structural, functional, and spatial information, amino acid conservation, physicochemical variation, residue mobility, and thermodynamic stability) indicates that this missense variant is not expected to disrupt MTOR protein function with a negative predictive value of 95%. In summary, the available evidence is currently insufficient to determine the role of this variant in disease. Therefore, it has been classified as a Variant of Uncertain Significance.

NM_004958.4(MTOR):c.3731C>T (p.Ala1244Val)

Gene: MTOR (mechanistic target of rapamycin kinase; minus strand). Cytogenetic location: 1p36.22.
Variant type: single nucleotide variant.
Coding change: c.3731C>T on transcript NM_004958.4 (MANE Select); coding-DNA position 3731, C replaced by T.
Protein change: p.Ala1244Val; replaces alanine 1244 with valine.
Molecular consequence: missense variant.
Genome position (GRCh38, 1-based): chr1:11,209,382, G>A on the plus strand (C>T on the coding strand, the complement: MTOR is on the minus strand). VCF-style: chr1-11209382-G-A. GRCh37 (hg19) VCF-style: chr1-11269439-G-A.
Other names: c.3731C>T, p.Ala1244Val (NM_001386500.1); c.2483C>T, p.Ala828Val (NM_001386501.1); short protein forms A1244V, A828V.
Identifiers: ClinVar variation 4807116 (VCV004807116.1).